The following is an entry in ClinVar:

ClinVar aggregate classification (germline): Uncertain significance (1 of 4 stars; one submission).

gnomAD v4.1: 4 of 1,613,734 alleles (0.00025%); highest among the groups gnomAD compares: East Asian, 0.0067%; no homozygotes.

Submission:

GeneDx
Classification: Uncertain significance. Last evaluated: 2023-02-23. Review status: criteria provided, single submitter. Criteria: GeneDx Variant Classification Process June 2021. Collection method: clinical testing. Allele origin: germline. Affected: yes.
Comment: In silico analysis supports that this missense variant does not alter protein structure/function; Has not been previously published as pathogenic or benign to our knowledge

NM_212482.4(FN1):c.5401G>C (p.Glu1801Gln)

Gene: FN1 (fibronectin 1; minus strand). Cytogenetic location: 2q35.
Variant type: single nucleotide variant.
Coding change: c.5401G>C on transcript NM_212482.4 (MANE Select); coding-DNA position 5401, G replaced by C.
Protein change: p.Glu1801Gln; replaces glutamic acid 1801 with glutamine.
Molecular consequence: missense variant. On other transcripts: intron variant (10).
Genome position (GRCh38, 1-based): chr2:215,380,844, C>G on the plus strand (G>C on the coding strand, the complement: FN1 is on the minus strand). VCF-style: chr2-215380844-C-G. GRCh37 (hg19) VCF-style: chr2-216245567-C-G.
Other names: c.5401G>C, p.Glu1801Gln (NM_001306129.2); c.5128G>C, p.Glu1710Gln (NM_001365518.2, NM_001365520.2, NM_001365524.2 and 2 more transcripts); c.4891+1368G>C (NM_212474.3, NM_001306132.2, NM_001365523.2 and 2 more transcripts); c.5164+1368G>C (NM_001306130.2, NM_001365522.2, NM_001365519.2 and 2 more transcripts); short protein forms E1710Q, E1801Q.
Identifiers: ClinVar variation 2577734 (VCV002577734.1), dbSNP rs776274803, ClinGen allele CA2094167.